The following is an entry in ClinVar:

ClinVar aggregate classification (germline): Uncertain significance. Review status: criteria provided, multiple submitters, no conflicts (2 of 4 stars). 2 submissions from 2 submitters: Uncertain significance (2). Last evaluated 2025-03-21.

Conditions:
Inborn genetic diseases. Identifiers: MedGen C0950123, MeSH D030342.

Allele frequency attached by ClinVar (database versions not stated): gnomAD 0.00001; TOPMed 0.00002.

Submissions (2):

Ambry Genetics
Classification: Uncertain significance for Inborn genetic diseases. Last evaluated: 2025-03-21. Review status: criteria provided, single submitter. Criteria: Ambry Variant Classification Scheme 2023. Collection method: clinical testing. Allele origin: germline.

GeneDx
Classification: Uncertain significance. Last evaluated: 2017-03-09. Review status: criteria provided, single submitter. Criteria: GeneDx Variant Classification (06012015). Collection method: clinical testing. Allele origin: germline. Affected: yes.
Comment: The I367M variant has not been published as a pathogenic variant, nor has it been reported as a benign variant to our knowledge. The variant is not observed in large population cohorts (Lek et al., 2016; 1000 Genomes Consortium et al., 2015; Exome Variant Server). I367M is a conservative amino acid substitution, which is not likely to impact secondary protein structure as these residues share similar properties. This substitution occurs at a position where amino acids with similar properties to Isoleucine are tolerated across species. In silico analysis is inconsistent in its predictions as to whether or not the variant is damaging to the protein structure/function. Missense variants in nearby residues (S362L, C363Y, Y364C, A373T) have been reported in the Human Gene Mutation Database in association with holoprosencephaly (Stenson et al., 2014), supporting the functional importance of this region of the protein. In summary, based on the currently available information, it is unclear whether this variant is pathogenic or a rare benign variant.

NM_000193.4(SHH):c.1101C>G (p.Ile367Met)

Gene: SHH (sonic hedgehog signaling molecule; minus strand). Cytogenetic location: 7q36.3.
Variant type: single nucleotide variant.
Coding change: c.1101C>G on transcript NM_000193.4 (MANE Select); coding-DNA position 1101, C replaced by G.
Protein change: p.Ile367Met; replaces isoleucine 367 with methionine.
Molecular consequence: missense variant. On other transcripts: intron variant (1).
Genome position (GRCh38, 1-based): chr7:155,803,188, G>C on the plus strand (C>G on the coding strand, the complement: SHH is on the minus strand). VCF-style: chr7-155803188-G-C. GRCh37 (hg19) VCF-style: chr7-155595882-G-C.
Other names: c.302-2943C>G (NM_001310462.2); short protein forms I367M.
Identifiers: ClinVar variation 426968 (VCV000426968.3), dbSNP rs758397120, ClinGen allele CA169421759.
Genomic context (GRCh38, chr7:155,803,188, plus strand): 5'-CAGGAGCGCGTGCGCCAGGCGGAAGGGCGCGAAGGCCCGGTGCGCCCAGCTGTGCTCCTC[G>C]ATGACCGCGTAGCACGAGGCCAGCACCCGGTTGATGAGAATGGTGCCCTGGGCCGTGAGC-3'
Protein context (NP_000184.1, residues 357-377): NRVLASCYAV[Ile367Met]EEHSWAHRAF